The following is an entry in ClinVar:

ClinVar aggregate classification (germline): Uncertain significance (1 of 4 stars; one submission).

Conditions:
Congenital multicore myopathy with external ophthalmoplegia (CMYO1B). Also called: MULTICORE MYOPATHY; MULTIMINICORE DISEASE WITH EXTERNAL OPHTHALMOPLEGIA; Minicore myopathy with external ophthalmoplegia; Congenital myopathy 1B, autosomal recessive; Minicore myopathy. Identifiers: Orphanet 598, Orphanet 98905, MedGen C1850674, MONDO:0009712, OMIM 255320, HP:0003789.

Submission:

Cytogenetics and Genomics Lab, Cyprus Institute Of Neurology and Genetics
Classification: Uncertain significance for Congenital multicore myopathy with external ophthalmoplegia. Last evaluated: 2024-07-20. Review status: criteria provided, single submitter. Criteria: ACGS Guidelines, 2020. Collection method: research. Allele origin: maternal. Affected: yes.
Comment: This variant is absent from gnomAD population databse (PM2_supporting) and multiple computational tools support a deleterious effect on the gene or gene product (PP3_moderate). The variant was found in compound heterozygous state with NM_000540.3:c.6721C>T.

NM_000540.3(RYR1):c.8068-3C>G

Gene: RYR1 (ryanodine receptor 1; plus strand). Cytogenetic location: 19q13.2.
Variant type: single nucleotide variant.
Coding change: c.8068-3C>G on transcript NM_000540.3 (MANE Select); 3 bases into the intron before coding-DNA position 8068, C replaced by G.
Molecular consequence: intron variant.
Genome position (GRCh38, 1-based): chr19:38,504,745, C>G. VCF-style: chr19-38504745-C-G. GRCh37 (hg19) VCF-style: chr19-38995385-C-G.
Other names: c.8068-3C>G (NM_001042723.2).
Identifiers: ClinVar variation 3256723 (VCV003256723.1).